The following is an entry in ClinVar:

ClinVar aggregate classification (germline): Uncertain significance. Review status: criteria provided, multiple submitters, no conflicts (2 of 4 stars). 9 submissions from 9 submitters: Uncertain significance (5). 4 of the submissions do not count toward it. Last evaluated 2024-11-12.

Conditions:
IDUA-related disorder. Also called: IDUA-related condition.
Mucopolysaccharidosis type 1. Also called: IDUA deficiency; MPS I; Mucopolysaccharidosis Type I. Identifiers: Orphanet 579, MedGen C0023786, MONDO:0001586.
Hurler syndrome. Also called: MUCOPOLYSACCHARIDOSIS TYPE IH; Gargoylism, Hurler Syndrome; Severe MPS I (Hurler Syndrome). Identifiers: Orphanet 93473, MedGen C0086795, MONDO:0011758, OMIM 607014.

Allele frequency attached by ClinVar (database versions not stated): ESP Exome Variant Server 0.00008; gnomAD exomes 0.00008 and 0.00013; ExAC 0.00009; gnomAD 0.00009 and 0.00010; TOPMed 0.00017; 1000 Genomes Project 0.00020; 1000 Genomes Project 30x 0.00031.
gnomAD v4.1: 145 of 1,583,982 alleles (0.0092%); highest among the groups gnomAD compares: Middle Eastern, 0.1%; no homozygotes.

Submissions (9):

PreventionGenetics, part of Exact Sciences
Classification: Uncertain significance for IDUA-related condition. Last evaluated: 2024-11-12. Review status: criteria provided, single submitter. Criteria: ACMG Guidelines, 2015. Collection method: clinical testing. Allele origin: germline.
Comment: The IDUA c.787A>T variant is predicted to result in the amino acid substitution p.Arg263Trp. This variant was reported in several cases of positive newborn screening together with variant of uncertain significance or with another pseudodeficiency variant in IDUA and was interpreted as psudodeficiency variant (Burlina et al. 2018. PubMed ID: 29143201; Donati et al. 2018. PubMed ID: 30442156; Polo et al. 2020. PubMed ID: 32432561; Taylor et al. 2019. PubMed ID: 31133280). In one newborn glucosaminoglycans (GAGs) were measured and were within a normal range (Taylor et al. 2019. PubMed ID: 31133280). Additionally, this variant was along with other IDUA synonymous variant observed in a homozygous state in an adult individual with cryptogenic stroke, who however had not clinical symptoms of mucopolysaccharidosis type I, had normal GAGs levels and who had low IDUA activity 2.1 nmol/mg prot/h (ref = 14-40 nmol prot/h), but higher than the patient range of <0.1 nmol/mg prot/h. (Langereis et al. 2013. PubMed ID: 23430557). This variant is listed as pseudodeficiency variant in GeneReviews. This variant is reported in 0.045% of alleles in individuals of Latino descent in gnomAD. Although we suspect that this variant is likely pseudodeficiency variant, at this time, the clinical significance is uncertain due to the absence of conclusive functional and genetic evidence.

Women's Health and Genetics/Laboratory Corporation of America, LabCorp
Classification: Uncertain significance. Last evaluated: 2024-10-14. Review status: criteria provided, single submitter. Criteria: LabCorp Variant Classification Summary - May 2015. Collection method: clinical testing. Allele origin: germline.
Comment: Variant summary: IDUA c.787A>T (p.Arg263Trp) results in a non-conservative amino acid change in the encoded protein sequence. Four of five in-silico tools predict a damaging effect of the variant on protein function. The variant allele was found at a frequency of 0.00013 in 193392 control chromosomes. This frequency is not significantly higher than estimated for a pathogenic variant in IDUA causing Mucopolysaccharidosis Type 1 (0.00013 vs 0.0027), allowing no conclusion about variant significance. c.787A>T has been reported in the literature in individuals with a positive newborn screening result for IDUA-related disease or diagnosed with pseudo mucopolysaccharidosis in homozygous or compound heterozygous state (e.g. Burlina_2018, Donati_2018, Taylor_2019 and Polo_2020). These reports do not provide unequivocal conclusions about association of the variant with Mucopolysaccharidosis Type 1. To our knowledge, no experimental evidence demonstrating an impact on protein function has been reported. The following publications have been ascertained in the context of this evaluation (PMID: 30442156, 29143201, 32432561, 23430557, 31133280). ClinVar contains an entry for this variant (Variation ID: 550605). Based on the evidence outlined above, the variant was classified as uncertain significance.

Revvity Omics, Revvity
Classification: Uncertain significance. Last evaluated: 2024-10-09. Review status: criteria provided, single submitter. Criteria: ACMG Guidelines, 2015. Collection method: clinical testing. Allele origin: germline.

Labcorp Genetics (formerly Invitae), Labcorp
Classification: Uncertain significance for Mucopolysaccharidosis type 1. Last evaluated: 2022-09-06. Review status: criteria provided, single submitter. Criteria: Invitae Variant Classification Sherloc (09022015). Collection method: clinical testing. Allele origin: germline.
Comment: This sequence change replaces arginine, which is basic and polar, with tryptophan, which is neutral and slightly polar, at codon 263 of the IDUA protein (p.Arg263Trp). This variant is present in population databases (rs201268637, gnomAD 0.05%). This missense change has been observed in individual(s) with a positive newborn screening result for IDUA-related disease (PMID: 29143201, 30442156). ClinVar contains an entry for this variant (Variation ID: 550605). Advanced modeling of protein sequence and biophysical properties (such as structural, functional, and spatial information, amino acid conservation, physicochemical variation, residue mobility, and thermodynamic stability) performed at Invitae indicates that this missense variant is expected to disrupt IDUA protein function. Algorithms developed to predict the effect of sequence changes on RNA splicing suggest that this variant may disrupt the consensus splice site. In summary, the available evidence is currently insufficient to determine the role of this variant in disease. Therefore, it has been classified as a Variant of Uncertain Significance.

Illumina Laboratory Services, Illumina
Classification: Uncertain significance for Mucopolysaccharidosis type 1. Last evaluated: 2017-04-27. Review status: criteria provided, single submitter. Criteria: ICSL Variant Classification Criteria 13 December 2019. Collection method: clinical testing. Allele origin: germline.

Natera, Inc.
Classification: Uncertain significance for Mucopolysaccharidosis type I. Last evaluated: 2020-06-01. Review status: no assertion criteria provided. Collection method: clinical testing. Allele origin: germline. Not counted in ClinVar's aggregate classification.

Mayo Clinic Laboratories, Mayo Clinic
Classification: Uncertain significance. Last evaluated: 2017-06-07. Review status: no assertion criteria provided. Collection method: clinical testing. Allele origin: unknown. Not counted in ClinVar's aggregate classification.

Counsyl
Classification: Uncertain significance for Hurler syndrome. Last evaluated: 2017-02-03. Review status: no assertion criteria provided. Collection method: clinical testing. Allele origin: unknown. Not counted in ClinVar's aggregate classification.

GeneReviews
No classification provided. Condition: Mucopolysaccharidosis type 1. Review status: no classification provided. Collection method: literature only. Allele origin: germline. Not counted in ClinVar's aggregate classification.
Comment: Pseudodeficiency variants

Literature cited by the submitters: PubMed 30442156 (cited by Women's Health and Genetics/Laboratory Corporation of America, LabCorp and Labcorp Genetics (formerly Invitae), Labcorp); PubMed 29143201 (cited by Women's Health and Genetics/Laboratory Corporation of America, LabCorp and Labcorp Genetics (formerly Invitae), Labcorp); PubMed 32432561 (cited by Women's Health and Genetics/Laboratory Corporation of America, LabCorp); PubMed 23430557 (cited by Women's Health and Genetics/Laboratory Corporation of America, LabCorp); PubMed 31133280 (cited by Women's Health and Genetics/Laboratory Corporation of America, LabCorp); NCBI Bookshelf NBK1162 (cited by GeneReviews).

NM_000203.5(IDUA):c.787A>T (p.Arg263Trp)

Gene: IDUA (alpha-L-iduronidase; plus strand). Cytogenetic location: 4p16.3.
Variant type: single nucleotide variant.
Coding change: c.787A>T on transcript NM_000203.5 (MANE Select); coding-DNA position 787, A replaced by T.
Protein change: p.Arg263Trp; replaces arginine 263 with tryptophan.
Molecular consequence: missense variant. On other transcripts: non-coding transcript variant (1).
Genome position (GRCh38, 1-based): chr4:1,001,876, A>T. VCF-style: chr4-1001876-A-T. GRCh37 (hg19) VCF-style: chr4-995664-A-T.
Other names: c.391A>T, p.Arg131Trp (NM_001363576.1); short protein forms R263W, R131W.
Identifiers: ClinVar variation 550605 (VCV000550605.25), dbSNP rs201268637, ClinGen allele CA2802085.